The following is an entry in ClinVar:

ClinVar aggregate classification (germline): Uncertain significance. Review status: criteria provided, multiple submitters, no conflicts (2 of 4 stars). 3 submissions from 3 submitters: Uncertain significance (2). 1 of the submissions does not count toward it. Last evaluated 2022-06-04.

Conditions:
Jackson-Weiss syndrome (JWS). Also called: CRANIOSYNOSTOSIS, MIDFACIAL HYPOPLASIA, AND FOOT ABNORMALITIES. Identifiers: Orphanet 1540, MedGen C0795998, MONDO:0007400, OMIM 123150. Disease mechanism: loss of function.
Hypogonadotropic hypogonadism 2 with or without anosmia (HH2). Also called: HYPOGONADOTROPIC HYPOGONADISM 2 WITH OR WITHOUT ANOSMIA, SUSCEPTIBILITY TO; HYPOGONADOTROPIC HYPOGONADISM 2 WITHOUT ANOSMIA, SUSCEPTIBILITY TO; FGFR1-Related GnRH Deficiency (Kallmann Syndrome 2); HYPOGONADOTROPIC HYPOGONADISM 2 WITHOUT ANOSMIA. Identifiers: Orphanet 478, MedGen C1563720, MONDO:0007844, OMIM 147950. Disease mechanism: loss of function.
Trigonocephaly 1 (TRIGNO1). Identifiers: Orphanet 3366, MedGen C0432122, MONDO:0008603, OMIM 190440.
Osteoglophonic dysplasia (OGD). Also called: Osteoglophonic dwarfism. Identifiers: Orphanet 2645, MedGen C0432283, MONDO:0008150, OMIM 166250.
Pfeiffer syndrome (ACS5). Also called: ACS V. Identifiers: Orphanet 710, MedGen C0220658, MONDO:0007043, OMIM 101600.
Hartsfield-Bixler-Demyer syndrome (HRTFDS). Also called: Hartsfield syndrome; FGFR1-Related Hartsfield Syndrome; Holoprosencephaly, ectrodactyly, and bilateral cleft lip/palate. Identifiers: Orphanet 2117, MedGen C1845146, MONDO:0014196, OMIM 615465. Disease mechanism: loss of function.
Encephalocraniocutaneous lipomatosis (ECCL). Identifiers: Orphanet 2396, MedGen C0406612, MONDO:0013074, OMIM 613001.
FGFR1-related disorder. Also called: FGFR1-related condition; FGFR1-related disorders. Identifiers: MedGen CN380097.

Allele frequency attached by ClinVar (database versions not stated): gnomAD exomes 0.00001; TOPMed 0.00002; ExAC 0.00004.
gnomAD v4.1: 38 of 1,572,626 alleles (0.0024%); highest among the groups gnomAD compares: Non-Finnish European, 0.0029%; no homozygotes.

Submissions (3):

Labcorp Genetics (formerly Invitae), Labcorp
Classification: Uncertain significance for Pfeiffer syndrome; Hypogonadotropic hypogonadism 2 with or without anosmia. Last evaluated: 2022-06-04. Review status: criteria provided, single submitter. Criteria: Invitae Variant Classification Sherloc (09022015). Collection method: clinical testing. Allele origin: germline.
Comment: In summary, the available evidence is currently insufficient to determine the role of this variant in disease. Therefore, it has been classified as a Variant of Uncertain Significance. Algorithms developed to predict the effect of missense changes on protein structure and function output the following: SIFT: "Tolerated"; PolyPhen-2: "Possibly Damaging"; Align-GVGD: "Class C0". The isoleucine amino acid residue is found in multiple mammalian species, which suggests that this missense change does not adversely affect protein function. ClinVar contains an entry for this variant (Variation ID: 943633). This variant has not been reported in the literature in individuals affected with FGFR1-related conditions. The frequency data for this variant in the population databases is considered unreliable, as metrics indicate poor data quality at this position in the gnomAD database. This sequence change replaces threonine, which is neutral and polar, with isoleucine, which is neutral and non-polar, at codon 111 of the FGFR1 protein (p.Thr111Ile).

Fulgent Genetics
Classification: Uncertain significance for Pfeiffer syndrome; Jackson-Weiss syndrome; Hypogonadotropic hypogonadism 2 with or without anosmia; Osteoglophonic dysplasia; Trigonocephaly 1; Encephalocraniocutaneous lipomatosis; Hartsfield-Bixler-Demyer syndrome. Last evaluated: 2021-11-02. Review status: criteria provided, single submitter. Criteria: ACMG Guidelines, 2015. Collection method: clinical testing. Allele origin: unknown.

PreventionGenetics, part of Exact Sciences
Classification: Uncertain significance for FGFR1-related condition. Last evaluated: 2024-08-21. Review status: no assertion criteria provided. Collection method: clinical testing. Allele origin: germline. Not counted in ClinVar's aggregate classification.
Comment: The FGFR1 c.332C>T variant is predicted to result in the amino acid substitution p.Thr111Ile. To our knowledge, this variant has not been reported in the literature. This variant is reported in 0.0051% of alleles in individuals of African descent in gnomAD. At this time, the clinical significance of this variant is uncertain due to the absence of conclusive functional and genetic evidence.

NM_023110.3(FGFR1):c.332C>T (p.Thr111Ile)

Gene: FGFR1 (fibroblast growth factor receptor 1; minus strand). Cytogenetic location: 8p11.23.
Variant type: single nucleotide variant.
Coding change: c.332C>T on transcript NM_023110.3 (MANE Select); coding-DNA position 332, C replaced by T.
Protein change: p.Thr111Ile; replaces threonine 111 with isoleucine.
Molecular consequence: missense variant. On other transcripts: intron variant (5).
Genome position (GRCh38, 1-based): chr8:38,429,708, G>A on the plus strand (C>T on the coding strand, the complement: FGFR1 is on the minus strand). VCF-style: chr8-38429708-G-A. GRCh37 (hg19) VCF-style: chr8-38287226-G-A.
Other names: c.332C>T, p.Thr111Ile (NM_001174063.2, NM_001174065.2, NM_001354367.2 and 2 more transcripts); c.308C>T, p.Thr103Ile (NM_001174064.2); c.431C>T, p.Thr144Ile (NM_001174067.2); c.92-1273C>T (NM_001354368.2, NM_001354370.2, NM_023106.3 and 2 more transcripts); short protein forms T144I, T103I, T111I.
Identifiers: ClinVar variation 943633 (VCV000943633.9), dbSNP rs775020833, ClinGen allele CA4718819.